The following is an entry in ClinVar:

ClinVar aggregate classification (germline): Likely pathogenic (1 of 4 stars; one submission).

Conditions:
Autosomal recessive nonsyndromic hearing loss 84B. Also called: Deafness, autosomal recessive 84b. Identifiers: Orphanet 90636, MedGen C3554159, MONDO:0013984, OMIM 614944.

Submission:

Juno Genomics, Hangzhou Juno Genomics, Inc
Classification: Likely pathogenic for Autosomal recessive nonsyndromic hearing loss 84B. Review status: criteria provided, single submitter. Criteria: ACMG Guidelines, 2015. Collection method: clinical testing. Allele origin: germline.
Comment: Null variant in a gene where loss of function (LOF) is a known mechanism of disease.;Absent from controls (or at extremely low frequency if recessive) in Genome Aggregation Database.

NM_001378609.3(OTOGL):c.2699_2700dup (p.Lys901fs)

Gene: OTOGL (otogelin like; plus strand). Cytogenetic location: 12q21.31.
Variant type: Duplication.
Coding change: c.2699_2700dup on transcript NM_001378609.3 (MANE Select); coding-DNA positions 2699 to 2700, 2 bases duplicated (GA; older notation c.2699_2700dupGA).
Protein change: p.Lys901fs; shifts the reading frame from lysine 901.
Molecular consequence: frameshift variant.
Genome position (GRCh38, 1-based): chr12:80,278,185-80,278,186, GA duplicated. VCF-style (leftmost placement, unchanged base first): chr12-80278184-G-GGA. GRCh37 (hg19) VCF-style: chr12-80671964-G-GGA.
Other names: c.2699_2700dup, p.Lys901fs (NM_001368062.3, NM_001378610.3, NM_173591.7); short protein forms K901fs.
Identifiers: ClinVar variation 5005163 (VCV005005163.2).